The following is an entry in ClinVar:

NM_001754.5(RUNX1):c.256C>G (p.Pro86Ala)

Gene: RUNX1 (RUNX family transcription factor 1; minus strand). Cytogenetic location: 21q22.12.
Variant type: single nucleotide variant.
Coding change: c.256C>G on transcript NM_001754.5 (MANE Select); coding-DNA position 256, C replaced by G.
Protein change: p.Pro86Ala; replaces proline 86 with alanine.
Molecular consequence: missense variant.
Genome position (GRCh38, 1-based): chr21:34,886,938, G>C on the plus strand (C>G on the coding strand, the complement: RUNX1 is on the minus strand). VCF-style: chr21-34886938-G-C. GRCh37 (hg19) VCF-style: chr21-36259235-G-C.
Other names: NM_001754.5(RUNX1):c.256C>G; p.Pro86Ala; c.175C>G, p.Pro59Ala (NM_001001890.3, NM_001122607.2); c.256C>G (NM_001754.4); short protein forms P59A, P86A.
Identifiers: ClinVar variation 1003438 (VCV001003438.8), dbSNP rs56020428, ClinGen allele CA320642689.
Genomic context (GRCh38, chr21:34,886,938, plus strand): 5'-AGTGCGTAGGCAGCACGGAGCAGAGGAAGTTGGGGCTGTCGGTGCGCACCAGCTCGCCCG[G>C]GTGGTCGGCCAGCACCTCCACCATGCTGCGGTCGCCGCTCCTCAGCTTGCCGGCCAGGGC-3'
Protein context (NP_001745.2, residues 76-96): RSMVEVLADH[Pro86Ala]GELVRTDSPN

ClinVar aggregate classification (germline): Uncertain significance. Review status: reviewed by expert panel (3 of 4 stars). 3 submissions from 3 submitters: Uncertain significance (1). 2 of the submissions do not count toward it. Last evaluated 2024-08-12.

Conditions:
Inborn genetic diseases. Identifiers: MedGen C0950123, MeSH D030342.
Hereditary thrombocytopenia and hematological cancer predisposition syndrome associated with RUNX1. Also called: Familial Platelet Disorder with Propensity to Acute Myelogenous Leukemia; Familial thrombocytopenia with propensity to acute myelogenous leukemia; RUNX1 Familial Platelet Disorder with Associated Myeloid Malignancies; PLATELET DISORDER, ASPIRIN-LIKE. Identifiers: Orphanet 71290, MedGen C1832388, MeSH C563324, MONDO:0100083, OMIM 601399.
Hereditary thrombocytopenia and hematologic cancer predisposition syndrome. Identifiers: Orphanet 71290, MedGen CN281654, MONDO:0011071.

Allele frequency attached by ClinVar (database versions not stated): gnomAD 0.00001.
gnomAD v4.1: 1 of 1,612,962 alleles (0.000062%); highest among the groups gnomAD compares: African/African-American, 0.0013%; no homozygotes.

Submissions (3):

ClinGen Myeloid Malignancy Variant Curation Expert Panel
Classification: Uncertain significance for Hereditary thrombocytopenia and hematologic cancer predisposition syndrome. Last evaluated: 2024-08-12. Review status: reviewed by expert panel. Criteria: ClinGen MyeloMalig ACMG Specifications v2. Collection method: curation. Allele origin: germline. Inheritance: Autosomal dominant inheritance.
Comment: NM_001754.5(RUNX1):c.256C>G (p.Pro86Ala) is a missense variant which is located outside of the Runt Homology Domain. This variant is completely absent from all population databases with at least 20x coverage for RUNX1 (PM2_supporting). The variant has a REVEL score of 0.561, which does not meet the threshold for PP3 (≥0.88) or BP4 (<0.50). In summary, the clinical significance of this variant is uncertain. ACMG/AMP criteria applied, as specified by the Myeloid Malignancy Variant Curation Expert Panel for RUNX1: PM2_supporting.

Ambry Genetics
Classification: Uncertain significance for Inborn genetic diseases. Last evaluated: 2026-06-01. Review status: criteria provided, single submitter. Criteria: Ambry Variant Classification Scheme 2023. Collection method: clinical testing. Allele origin: germline. Not counted in ClinVar's aggregate classification.
Comment: The p.P86A variant (also known as c.256C>G), located in coding exon 3 of the RUNX1 gene, results from a C to G substitution at nucleotide position 256. The proline at codon 86 is replaced by alanine, an amino acid with highly similar properties. This amino acid position is well conserved in available vertebrate species. In addition, the in silico prediction for this alteration is inconclusive. Based on the available evidence, the clinical significance of this variant remains unclear.

Labcorp Genetics (formerly Invitae), Labcorp
Classification: Uncertain significance for Hereditary thrombocytopenia and hematological cancer predisposition syndrome associated with RUNX1. Last evaluated: 2026-01-10. Review status: criteria provided, single submitter. Criteria: Invitae Variant Classification Sherloc (09022015). Collection method: clinical testing. Allele origin: germline. Not counted in ClinVar's aggregate classification.
Comment: This sequence change replaces proline, which is neutral and non-polar, with alanine, which is neutral and non-polar, at codon 86 of the RUNX1 protein (p.Pro86Ala). This variant is not present in population databases (gnomAD no frequency). This variant has not been reported in the literature in individuals affected with RUNX1-related conditions. ClinVar contains an entry for this variant (Variation ID: 1003438). An algorithm developed to predict the effect of missense changes on protein structure and function outputs the following: PolyPhen-2: "Benign". The alanine amino acid residue is found in multiple mammalian species, which suggests that this missense change does not adversely affect protein function. In summary, the available evidence is currently insufficient to determine the role of this variant in disease. Therefore, it has been classified as a Variant of Uncertain Significance.